The following is an entry in ClinVar:

ClinVar aggregate classification (germline): Uncertain significance. Review status: criteria provided, multiple submitters, no conflicts (2 of 4 stars). 3 submissions from 3 submitters: Uncertain significance (3). Last evaluated 2021-12-31.

Conditions:
Developmental and epileptic encephalopathy 94 (DEE94). Also called: Epileptic encephalopathy, childhood-onset; CHD2-Related Neurodevelopmental Disorders. Identifiers: Orphanet 1942, Orphanet 2382, MedGen C3809278, MONDO:0014150, OMIM 615369.

Allele frequency attached by ClinVar (database versions not stated): gnomAD exomes below 0.00001; gnomAD 0.00001; TOPMed 0.00001.
gnomAD v4.1: 14 of 1,614,032 alleles (0.00087%); highest among the groups gnomAD compares: Non-Finnish European, 0.0012%; no homozygotes.

Submissions (3):

Revvity Omics, Revvity
Classification: Uncertain significance for Developmental and epileptic encephalopathy 94. Last evaluated: 2021-12-31. Review status: criteria provided, single submitter. Criteria: ACMG Guidelines, 2015. Collection method: clinical testing. Allele origin: germline.

Labcorp Genetics (formerly Invitae), Labcorp
Classification: Uncertain significance for Developmental and epileptic encephalopathy 94. Last evaluated: 2020-03-17. Review status: criteria provided, single submitter. Criteria: Invitae Variant Classification Sherloc (09022015). Collection method: clinical testing. Allele origin: germline.
Comment: In summary, the available evidence is currently insufficient to determine the role of this variant in disease. Therefore, it has been classified as a Variant of Uncertain Significance. Algorithms developed to predict the effect of missense changes on protein structure and function (SIFT, PolyPhen-2, Align-GVGD) all suggest that this variant is likely to be tolerated, but these predictions have not been confirmed by published functional studies and their clinical significance is uncertain. This variant has not been reported in the literature in individuals with CHD2-related conditions. ClinVar contains an entry for this variant (Variation ID: 420381). This variant is not present in population databases (ExAC no frequency). This sequence change replaces glutamine with histidine at codon 1734 of the CHD2 protein (p.Gln1734His). The glutamine residue is weakly conserved and there is a small physicochemical difference between glutamine and histidine.

GeneDx
Classification: Uncertain significance. Last evaluated: 2016-02-04. Review status: criteria provided, single submitter. Criteria: GeneDx Variant Classification (06012015). Collection method: clinical testing. Allele origin: germline. Affected: yes.
Comment: A variant of uncertain significance has been identified in the CHD2 gene. The Q1734H variant has not been published as a pathogenic variant, nor has it been reported as a benign variant to our knowledge. It was not observed in approximately 6,000 individuals of European and African American ancestry in the NHLBI Exome Sequencing Project, indicating it is not a common benign variant in these populations. The Q1734H variant is a semi-conservative amino acid substitution, which may impact secondary protein structure as these residues differ in some properties. Additionally, this substitution occurs at a position that is conserved in mammals. However, in silico analysis is inconsistent in its predictions as to whether or not the variant is damaging to the protein structure/function. Therefore, based on the currently available information, it is unclear whether this variant is a pathogenic variant or a rare benign variant.

NM_001271.4(CHD2):c.5202A>C (p.Gln1734His)

Gene: CHD2 (chromodomain helicase DNA binding protein 2; plus strand). Cytogenetic location: 15q26.1.
Variant type: single nucleotide variant.
Coding change: c.5202A>C on transcript NM_001271.4 (MANE Select); coding-DNA position 5202, A replaced by C.
Protein change: p.Gln1734His; replaces glutamine 1734 with histidine.
Molecular consequence: missense variant.
Genome position (GRCh38, 1-based): chr15:93,024,420, A>C. VCF-style: chr15-93024420-A-C. GRCh37 (hg19) VCF-style: chr15-93567650-A-C.
Other names: short protein forms Q1734H.
Identifiers: ClinVar variation 420381 (VCV000420381.14), dbSNP rs1009699195, ClinGen allele CA16620062.
Genomic context (GRCh38, chr15:93,024,420, plus strand): 5'-TCTCTATTTCAGGCACCATCATGACTCCAAGCGGAGGAGATCCGATGAATTTAGGCCTCA[A>C]AATTACCACCAGCAGGATTTCCGACGAATGTCTGATCACCGCCCCGCTATGGGCTACCAT-3'
Protein context (NP_001262.3, residues 1724-1744): KRRRSDEFRP[Gln1734His]NYHQQDFRRM